The following is an entry in ClinVar:

ClinVar aggregate classification (germline): Uncertain significance (1 of 4 stars; one submission).

Submission:

Labcorp Genetics (formerly Invitae), Labcorp
Classification: Uncertain significance. Last evaluated: 2022-06-24. Review status: criteria provided, single submitter. Criteria: Invitae Variant Classification Sherloc (09022015). Collection method: clinical testing. Allele origin: germline.
Comment: In summary, the available evidence is currently insufficient to determine the role of this variant in disease. Therefore, it has been classified as a Variant of Uncertain Significance. Algorithms developed to predict the effect of missense changes on protein structure and function are either unavailable or do not agree on the potential impact of this missense change (SIFT: "Tolerated"; PolyPhen-2: "Possibly Damaging"; Align-GVGD: "Class C0"). This variant has not been reported in the literature in individuals affected with PDHX-related conditions. This variant is not present in population databases (gnomAD no frequency). This sequence change replaces alanine, which is neutral and non-polar, with valine, which is neutral and non-polar, at codon 2 of the PDHX protein (p.Ala2Val).

NM_003477.3(PDHX):c.5C>T (p.Ala2Val)

Genes: PDHX (pyruvate dehydrogenase complex component X; plus strand), LOC130005549 (ATAC-STARR-seq lymphoblastoid active region 4608; plus strand). Cytogenetic location: 11p13.
Variant type: single nucleotide variant.
Coding change: c.5C>T on transcript NM_003477.3 (MANE Select); coding-DNA position 5, C replaced by T.
Protein change: p.Ala2Val; replaces alanine 2 with valine.
Molecular consequence: missense variant. On other transcripts: intron variant (1).
Genome position (GRCh38, 1-based): chr11:34,916,660, C>T. VCF-style: chr11-34916660-C-T. GRCh37 (hg19) VCF-style: chr11-34938207-C-T.
Other names: c.5C>T, p.Ala2Val (NM_001166158.2); c.-21+174C>T (NM_001135024.2); short protein forms A2V.
Identifiers: ClinVar variation 2108971 (VCV002108971.4), dbSNP rs753053135, ClinGen allele CA380123627.